The following is an entry in ClinVar:

ClinVar aggregate classification (germline): Uncertain significance (1 of 4 stars; one submission).

Submission:

GeneDx
Classification: Uncertain significance. Last evaluated: 2025-02-07. Review status: criteria provided, single submitter. Criteria: GeneDx Variant Classification Process June 2021. Collection method: clinical testing. Allele origin: germline. Affected: yes.
Comment: Not observed at significant frequency in large population cohorts (gnomAD); In silico analysis supports that this missense variant has a deleterious effect on protein structure/function; Has not been previously published as pathogenic or benign to our knowledge

NM_014159.7(SETD2):c.3222G>T (p.Lys1074Asn)

Gene: SETD2 (SET domain containing 2, histone lysine methyltransferase; minus strand). Cytogenetic location: 3p21.31.
Variant type: single nucleotide variant.
Coding change: c.3222G>T on transcript NM_014159.7 (MANE Select); coding-DNA position 3222, G replaced by T.
Protein change: p.Lys1074Asn; replaces lysine 1074 with asparagine.
Molecular consequence: missense variant. On other transcripts: non-coding transcript variant (1).
Genome position (GRCh38, 1-based): chr3:47,121,414, C>A on the plus strand (G>T on the coding strand, the complement: SETD2 is on the minus strand). VCF-style: chr3-47121414-C-A. GRCh37 (hg19) VCF-style: chr3-47162904-C-A.
Other names: c.3090G>T, p.Lys1030Asn (NM_001349370.3); short protein forms K1030N, K1074N.
Identifiers: ClinVar variation 4074587 (VCV004074587.1).